The following is an entry in ClinVar:

NM_001242896.3(DEPDC5):c.2168C>G (p.Pro723Arg)

Gene: DEPDC5 (DEP domain containing 5, GATOR1 subcomplex subunit; plus strand). Cytogenetic location: 22q12.3.
Variant type: single nucleotide variant.
Coding change: c.2168C>G on transcript NM_001242896.3 (MANE Select); coding-DNA position 2168, C replaced by G.
Protein change: p.Pro723Arg; replaces proline 723 with arginine.
Molecular consequence: missense variant. On other transcripts: non-coding transcript variant (5).
Genome position (GRCh38, 1-based): chr22:31,833,978, C>G. VCF-style: chr22-31833978-C-G. GRCh37 (hg19) VCF-style: chr22-32229964-C-G.
Other names: c.2168C>G, p.Pro723Arg (NM_001136029.4, NM_001363852.2, NM_001364318.2 and 3 more transcripts); c.1934C>G, p.Pro645Arg (NM_001242897.2, NM_001363854.2, NM_001364319.2); c.2084C>G, p.Pro695Arg (NM_001369901.1, NM_001369902.1); short protein forms P645R, P723R, P695R.
Identifiers: ClinVar variation 2153958 (VCV002153958.4), dbSNP rs761625826, ClinGen allele CA10196604.

ClinVar aggregate classification (germline): Uncertain significance (1 of 4 stars; one submission).

Conditions:
Familial focal epilepsy with variable foci (FPEVF). Identifiers: Orphanet 98820, MedGen C1858477, MONDO:0020310.

Allele frequency attached by ClinVar (database versions not stated): ExAC 0.00001; gnomAD exomes 0.00001.
gnomAD v4.1: 9 of 1,613,566 alleles (0.00056%); highest among the groups gnomAD compares: Non-Finnish European, 0.00068%; no homozygotes.

Submission:

Labcorp Genetics (formerly Invitae), Labcorp
Classification: Uncertain significance for Familial focal epilepsy with variable foci. Last evaluated: 2025-11-05. Review status: criteria provided, single submitter. Criteria: Invitae Variant Classification Sherloc (09022015). Collection method: clinical testing. Allele origin: germline.
Comment: This sequence change replaces proline, which is neutral and non-polar, with arginine, which is basic and polar, at codon 723 of the DEPDC5 protein (p.Pro723Arg). This variant is present in population databases (rs761625826, gnomAD 0.002%). This variant has not been reported in the literature in individuals affected with DEPDC5-related conditions. ClinVar contains an entry for this variant (Variation ID: 2153958). Experimental studies and prediction algorithms are not available or were not evaluated, and the functional significance of this variant is currently unknown. In summary, the available evidence is currently insufficient to determine the role of this variant in disease. Therefore, it has been classified as a Variant of Uncertain Significance.